The following is an entry in ClinVar:

NM_001172509.2(SATB2):c.410C>T (p.Ala137Val)

Gene: SATB2 (SATB homeobox 2; minus strand). Cytogenetic location: 2q33.1.
Variant type: single nucleotide variant.
Coding change: c.410C>T on transcript NM_001172509.2 (MANE Select); coding-DNA position 410, C replaced by T.
Protein change: p.Ala137Val; replaces alanine 137 with valine.
Molecular consequence: missense variant.
Genome position (GRCh38, 1-based): chr2:199,381,757, G>A on the plus strand (C>T on the coding strand, the complement: SATB2 is on the minus strand). VCF-style: chr2-199381757-G-A. GRCh37 (hg19) VCF-style: chr2-200246480-G-A.
Other names: c.410C>T, p.Ala137Val (NM_001172517.1, NM_015265.4); c.410C>T (NM_015265.3); short protein forms A137V.
Identifiers: ClinVar variation 1059312 (VCV001059312.31), dbSNP rs746240750, ClinGen allele CA2046092.
Genomic context (GRCh38, chr2:199,381,757, plus strand): 5'-TGTAATTGGATTTTCAACGTCACAACATGATAGACATCTTGTAGCATGTCGGCCACTGTC[G>A]CGTCGGGTGCATCTGTCACATAACTGAGGGGGAGAGGGTTCCACCTTCCCAGCTTGATTA-3'
Protein context (NP_001165980.1, residues 127-147): PLSYVTDAPD[Ala137Val]TVADMLQDVY

ClinVar aggregate classification (germline): Uncertain significance. Review status: criteria provided, multiple submitters, no conflicts (2 of 4 stars). 3 submissions from 3 submitters: Uncertain significance (2). 1 of the submissions does not count toward it. Last evaluated 2024-03-16.

Conditions:
Chromosome 2q32-q33 deletion syndrome (GLASS). Also called: 2q33.1 deletion syndrome; Glass syndrome. Identifiers: Orphanet 251019, MedGen C2676739, MONDO:0012864, OMIM 612313.
SATB2-related disorder. Also called: SATB2-related condition.

Allele frequency attached by ClinVar (database versions not stated): gnomAD exomes below 0.00001 and 0.00001; ExAC 0.00001; gnomAD 0.00001; TOPMed 0.00001.
gnomAD v4.1: 14 of 1,613,964 alleles (0.00087%); highest among the groups gnomAD compares: Non-Finnish European, 0.0011%; no homozygotes.

Submissions (3):

Labcorp Genetics (formerly Invitae), Labcorp
Classification: Uncertain significance for Chromosome 2q32-q33 deletion syndrome. Last evaluated: 2024-03-16. Review status: criteria provided, single submitter. Criteria: Invitae Variant Classification Sherloc (09022015). Collection method: clinical testing. Allele origin: germline.
Comment: This sequence change replaces alanine, which is neutral and non-polar, with valine, which is neutral and non-polar, at codon 137 of the SATB2 protein (p.Ala137Val). This variant is present in population databases (rs746240750, gnomAD 0.003%). This variant has not been reported in the literature in individuals affected with SATB2-related conditions. ClinVar contains an entry for this variant (Variation ID: 1059312). Advanced modeling performed at Invitae incorporating data from internal and/or published experimental studies (Invitae) indicates that this missense variant is not expected to disrupt SATB2 function with a negative predictive value of 95%. In summary, the available evidence is currently insufficient to determine the role of this variant in disease. Therefore, it has been classified as a Variant of Uncertain Significance.

CeGaT Center for Human Genetics Tuebingen
Classification: Uncertain significance. Last evaluated: 2023-12-01. Review status: criteria provided, single submitter. Criteria: CeGaT Center For Human Genetics Tuebingen Variant Classification Criteria Version 2. Collection method: clinical testing. Allele origin: germline. Affected: yes. Observed: 1 variant allele.

PreventionGenetics, part of Exact Sciences
Classification: Uncertain significance for SATB2-related condition. Last evaluated: 2024-05-02. Review status: no assertion criteria provided. Collection method: clinical testing. Allele origin: germline. Not counted in ClinVar's aggregate classification.
Comment: The SATB2 c.410C>T variant is predicted to result in the amino acid substitution p.Ala137Val. To our knowledge, this variant has not been reported in the literature. This variant is reported in 0.0029% of alleles in individuals of Latino descent in gnomAD. At this time, the clinical significance of this variant is uncertain due to the absence of conclusive functional and genetic evidence.